The following is an entry in ClinVar:

ClinVar aggregate classification (germline): Benign (3 of 4 stars; one submission).

Conditions:
Breast-ovarian cancer, familial, susceptibility to, 1 (BROVCA1). Also called: BRCA1 Hereditary Breast and Ovarian Cancer; OVARIAN CANCER, SUSCEPTIBILITY TO. Identifiers: Orphanet 145, MedGen C2676676, MONDO:0011450, OMIM 604370. Disease mechanism: loss of function.

Allele frequency attached by ClinVar (database versions not stated): 1000 Genomes Project 0.00419; 1000 Genomes Project 30x 0.00422; TOPMed 0.00955; gnomAD 0.00984 and 0.01013.
gnomAD v4.1: 1,479 of 152,222 alleles (0.97%); highest among the groups gnomAD compares: Non-Finnish European, 1.6%; 14 homozygotes.

Submission:

Evidence-based Network for the Interpretation of Germline Mutant Alleles (ENIGMA)
Classification: Benign for Breast-ovarian cancer, familial 1. Last evaluated: 2015-01-12. Review status: reviewed by expert panel. Criteria: ENIGMA BRCA1/2 Classification Criteria (2015). Collection method: curation. Allele origin: germline.
Comment: Class 1 not pathogenic based on frequency >1% in an outbred sampleset. Frequency 0.01187 (European), derived from 1000 genomes (2012-04-30).

NM_007294.4(BRCA1):c.4186-2852T>C

Gene: BRCA1 (BRCA1 DNA repair associated; minus strand). Cytogenetic location: 17q21.31.
Variant type: single nucleotide variant.
Coding change: c.4186-2852T>C on transcript NM_007294.4 (MANE Select); 2852 bases into the intron before coding-DNA position 4186, T replaced by C.
Molecular consequence: intron variant.
Genome position (GRCh38, 1-based): chr17:43,085,427, A>G on the plus strand (T>C on the coding strand, the complement: BRCA1 is on the minus strand). VCF-style: chr17-43085427-A-G. GRCh37 (hg19) VCF-style: chr17-41237444-A-G.
Other names: IVS 12-2852T>C; c.4105-2855T>C (NM_001407660.1, NM_001407659.1); c.4105-2852T>C (NM_001407661.1, NM_001407662.1); c.676-2852T>C (NM_001408476.1, NM_001408474.1); c.3985-2852T>C (NM_001407862.1); c.799-2852T>C (NM_001408409.1, NM_001408414.1, NM_001408411.1 and 2 more transcripts); c.4108-2855T>C (NM_001407663.1, NM_001407656.1); c.4108-2852T>C (NM_001407658.1, NM_001407653.1, NM_001407655.1 and 2 more transcripts); and 65 more.
Identifiers: ClinVar variation 209418 (VCV000209418.2), dbSNP rs8176176, ClinGen allele CA276390.